The following is an entry in ClinVar:

NM_001378452.1(ITPR1):c.7484_7516del (p.Leu2495_Arg2506delinsTrp)

Gene: ITPR1 (inositol 1,4,5-trisphosphate receptor type 1; plus strand). Cytogenetic location: 3p26.1.
Variant type: Deletion.
Coding change: c.7484_7516del on transcript NM_001378452.1 (MANE Select); coding-DNA positions 7484 to 7516, 33 bases deleted.
Protein change: p.Leu2495_Arg2506delinsTrp.
Molecular consequence: inframe indel.
Genome position (GRCh38, 1-based): chr3:4,813,157-4,813,189, 33 bases deleted. GRCh37 (hg19): chr3:4,854,841-4,854,873.
Other names: c.7340_7372del, p.Leu2447_Arg2458delinsTrp (NM_001099952.4); c.7439_7471del, p.Leu2480_Arg2491delinsTrp (NM_001168272.2); c.7295_7327del, p.Leu2432_Arg2443delinsTrp (NM_002222.7).
Identifiers: ClinVar variation 1310345 (VCV001310345.6), dbSNP rs1264194781, ClinGen allele CA907724854.

ClinVar aggregate classification (germline): Uncertain significance. Review status: criteria provided, multiple submitters, no conflicts (2 of 4 stars). 2 submissions from 2 submitters: Uncertain significance (2). Last evaluated 2023-08-04.

Allele frequency attached by ClinVar (database versions not stated): TOPMed below 0.00001; gnomAD 0.00001.

Submissions (2):

Labcorp Genetics (formerly Invitae), Labcorp
Classification: Uncertain significance. Last evaluated: 2023-08-04. Review status: criteria provided, single submitter. Criteria: Invitae Variant Classification Sherloc (09022015). Collection method: clinical testing. Allele origin: germline.
Comment: This variant is not present in population databases (gnomAD no frequency). This variant, c.7295_7327del, is a complex sequence change that results in the deletion of 12 and insertion of 1 amino acid(s) in the ITPR1 protein (p.Leu2432_Arg2443delinsTrp). This variant has not been reported in the literature in individuals affected with ITPR1-related conditions. ClinVar contains an entry for this variant (Variation ID: 1310345). Experimental studies and prediction algorithms are not available or were not evaluated, and the functional significance of this variant is currently unknown. In summary, the available evidence is currently insufficient to determine the role of this variant in disease. Therefore, it has been classified as a Variant of Uncertain Significance.

GeneDx
Classification: Uncertain significance. Last evaluated: 2019-12-11. Review status: criteria provided, single submitter. Criteria: GeneDx Variant Classification Process June 2021. Collection method: clinical testing. Allele origin: germline. Affected: yes.
Comment: In-frame deletion 12 and insertion of 1 amino acids in a non-repeat region; In silico analysis, which includes protein predictors and evolutionary conservation, supports a deleterious effect; Not observed in large population cohorts (Lek et al., 2016); Has not been previously published as pathogenic or benign to our knowledge